The following is an entry in ClinVar:

NM_004517.4(ILK):c.351+19A>T

Genes: ILK (integrin linked kinase; plus strand), TAF10 (TATA-box binding protein associated factor 10; minus strand). Cytogenetic location: 11p15.4.
Variant type: single nucleotide variant.
Coding change: c.351+19A>T on transcript NM_004517.4 (MANE Select); 19 bases into the intron after coding-DNA position 351, A replaced by T.
Molecular consequence: intron variant. On other transcripts: 3 prime UTR variant (1).
Genome position (GRCh38, 1-based): chr11:6,608,508, A>T. VCF-style: chr11-6608508-A-T. GRCh37 (hg19) VCF-style: chr11-6629738-A-T.
Other names: c.*2414T>A (NM_006284.4); c.351+19A>T (NM_001014795.3, NM_001278441.2, NM_001014794.3); c.-52+19A>T (NM_001278442.2).
Identifiers: ClinVar variation 387190 (VCV000387190.9), dbSNP rs183392482, ClinGen allele CA5858019.

ClinVar aggregate classification (germline): Likely benign. Review status: criteria provided, multiple submitters, no conflicts (2 of 4 stars). 2 submissions from 2 submitters: Likely benign (2). Last evaluated 2026-01-12.

Conditions:
Primary familial hypertrophic cardiomyopathy (HCM). Identifiers: Orphanet 99739, MedGen C0949658, MeSH D024741, MONDO:0024573. Inheritance: Various modes of inheritance.

Allele frequency attached by ClinVar (database versions not stated): ExAC 0.00005; gnomAD exomes 0.00005; 1000 Genomes Project 30x 0.00016; 1000 Genomes Project 0.00020; gnomAD 0.00024 and 0.00026; TOPMed 0.00026; ESP Exome Variant Server 0.00038.
gnomAD v4.1: 50 of 1,586,022 alleles (0.0032%); highest among the groups gnomAD compares: African/African-American, 0.063%; no homozygotes.

Submissions (2):

Labcorp Genetics (formerly Invitae), Labcorp
Classification: Likely benign for Primary familial hypertrophic cardiomyopathy. Last evaluated: 2026-01-12. Review status: criteria provided, single submitter. Criteria: Invitae Variant Classification Sherloc (09022015). Collection method: clinical testing. Allele origin: germline.

GeneDx
Classification: Likely benign. Last evaluated: 2016-06-23. Review status: criteria provided, single submitter. Criteria: GeneDx Variant Classification (06012015). Collection method: clinical testing. Allele origin: germline. Affected: yes.
Comment: This variant is considered likely benign or benign based on one or more of the following criteria: it is a conservative change, it occurs at a poorly conserved position in the protein, it is predicted to be benign by multiple in silico algorithms, and/or has population frequency not consistent with disease.